The following is an entry in ClinVar:

ClinVar aggregate classification (germline): Uncertain significance (1 of 4 stars; one submission).

Allele frequency attached by ClinVar (database versions not stated): TOPMed 0.00001; gnomAD 0.00002; gnomAD exomes 0.00002.

Submission:

Labcorp Genetics (formerly Invitae), Labcorp
Classification: Uncertain significance. Last evaluated: 2023-04-20. Review status: criteria provided, single submitter. Criteria: Invitae Variant Classification Sherloc (09022015). Collection method: clinical testing. Allele origin: germline.
Comment: In summary, the available evidence is currently insufficient to determine the role of this variant in disease. Therefore, it has been classified as a Variant of Uncertain Significance. An algorithm developed to predict the effect of missense changes on protein structure and function (PolyPhen-2) suggests that this variant is likely to be disruptive. This variant has not been reported in the literature in individuals affected with ARCN1-related conditions. This variant is present in population databases (no rsID available, gnomAD 0.0009%). This sequence change replaces threonine, which is neutral and polar, with alanine, which is neutral and non-polar, at codon 25 of the ARCN1 protein (p.Thr25Ala).

NM_001655.5(ARCN1):c.73A>G (p.Thr25Ala)

Gene: ARCN1 (archain 1 coat protein complex I subunit delta; plus strand). Cytogenetic location: 11q23.3.
Variant type: single nucleotide variant.
Coding change: c.73A>G on transcript NM_001655.5 (MANE Select); coding-DNA position 73, A replaced by G.
Protein change: p.Thr25Ala; replaces threonine 25 with alanine.
Molecular consequence: missense variant. On other transcripts: intron variant (1).
Genome position (GRCh38, 1-based): chr11:118,581,315, A>G. VCF-style: chr11-118581315-A-G. GRCh37 (hg19) VCF-style: chr11-118452030-A-G.
Other names: c.73A>G, p.Thr25Ala (NM_001425079.1, NM_001425073.1, NM_001425074.1 and 2 more transcripts); c.4-1864A>G (NM_001142281.2); c.16A>G, p.Thr6Ala (NM_001425075.1); c.4A>G, p.Thr2Ala (NM_001425076.1); short protein forms T2A, T25A, T6A.
Identifiers: ClinVar variation 2783725 (VCV002783725.3), dbSNP rs1314479792, ClinGen allele CA382800936.
Genomic context (GRCh38, chr11:118,581,315, plus strand): 5'-GCAGCAGCGGTCTGCACAAAAGCAGGAAAGGCTATTGTTTCTCGACAGTTTGTGGAAATG[A>G]CCCGAACTCGGATTGAGGGCTTATTAGCAGCTTTTCCAAAGCTCATGAACACTGGAAAAC-3'
Protein context (NP_001646.2, residues 15-35): AIVSRQFVEM[Thr25Ala]RTRIEGLLAA